The following is an entry in ClinVar:

NM_000245.4(MET):c.466T>C (p.Ser156Pro)

Gene: MET (MET proto-oncogene, receptor tyrosine kinase; plus strand). Cytogenetic location: 7q31.2.
Variant type: single nucleotide variant.
Coding change: c.466T>C on transcript NM_000245.4 (MANE Select); coding-DNA position 466, T replaced by C.
Protein change: p.Ser156Pro; replaces serine 156 with proline.
Molecular consequence: missense variant. On other transcripts: intron variant (1).
Genome position (GRCh38, 1-based): chr7:116,699,550, T>C. VCF-style: chr7-116699550-T-C. GRCh37 (hg19) VCF-style: chr7-116339604-T-C.
Other names: c.466T>C, p.Ser156Pro (NM_001127500.3, NM_001324401.3); c.-91+26973T>C (NM_001324402.2); c.466T>C (NM_000245.2); short protein forms S156P.
Identifiers: ClinVar variation 1500064 (VCV001500064.9), dbSNP rs2116589535, ClinGen allele CA368969142.

ClinVar aggregate classification (germline): Uncertain significance. Review status: criteria provided, multiple submitters, no conflicts (2 of 4 stars). 2 submissions from 2 submitters: Uncertain significance (2). Last evaluated 2026-07-06.

Conditions:
Renal cell carcinoma. Identifiers: Orphanet 217071, MedGen C0007134, MeSH D002292, MONDO:0005086, HP:0005584.
Hereditary cancer-predisposing syndrome. Also called: Hereditary Cancer Syndrome; Tumor predisposition; Neoplastic Syndromes, Hereditary; Hereditary neoplastic syndrome. Identifiers: Orphanet 140162, MedGen C0027672, MeSH D009386, MONDO:0015356.

gnomAD v4.1: 2 of 1,614,018 alleles (0.00012%); highest among the groups gnomAD compares: Non-Finnish European, 0.00017%; no homozygotes.

Submissions (2):

Ambry Genetics
Classification: Uncertain significance for Hereditary cancer-predisposing syndrome. Last evaluated: 2026-07-06. Review status: criteria provided, single submitter. Criteria: Ambry Variant Classification Scheme 2023. Collection method: clinical testing. Allele origin: germline.
Comment: The p.S156P variant (also known as c.466T>C), located in coding exon 1 of the MET gene, results from a T to C substitution at nucleotide position 466. The serine at codon 156 is replaced by proline, an amino acid with similar properties. This amino acid position is conserved. In addition, this alteration is predicted to be tolerated by in silico analysis. Based on the available evidence, the clinical significance of this variant remains unclear.

Labcorp Genetics (formerly Invitae), Labcorp
Classification: Uncertain significance for Renal cell carcinoma. Last evaluated: 2024-02-25. Review status: criteria provided, single submitter. Criteria: Invitae Variant Classification Sherloc (09022015). Collection method: clinical testing. Allele origin: germline.
Comment: This sequence change replaces serine, which is neutral and polar, with proline, which is neutral and non-polar, at codon 156 of the MET protein (p.Ser156Pro). This variant is not present in population databases (gnomAD no frequency). This variant has not been reported in the literature in individuals affected with MET-related conditions. ClinVar contains an entry for this variant (Variation ID: 1500064). Advanced modeling of protein sequence and biophysical properties (such as structural, functional, and spatial information, amino acid conservation, physicochemical variation, residue mobility, and thermodynamic stability) performed at Invitae indicates that this missense variant is not expected to disrupt MET protein function with a negative predictive value of 80%. In summary, the available evidence is currently insufficient to determine the role of this variant in disease. Therefore, it has been classified as a Variant of Uncertain Significance.